The following is an entry in ClinVar:

NM_001170700.3(DTHD1):c.1091T>C (p.Ile364Thr)

Gene: DTHD1 (death domain containing 1; plus strand). Cytogenetic location: 4p14.
Variant type: single nucleotide variant.
Coding change: c.1091T>C on transcript NM_001170700.3 (MANE Select); coding-DNA position 1091, T replaced by C.
Protein change: p.Ile364Thr; replaces isoleucine 364 with threonine.
Molecular consequence: missense variant. On other transcripts: non-coding transcript variant (2).
Genome position (GRCh38, 1-based): chr4:36,290,576, T>C. VCF-style: chr4-36290576-T-C. GRCh37 (hg19) VCF-style: chr4-36292198-T-C.
Other names: c.221T>C, p.Ile74Thr (NM_001136536.5, NM_001378435.1); short protein forms I364T, I74T.
Identifiers: ClinVar variation 2010376 (VCV002010376.4), dbSNP rs1560787116, ClinGen allele CA356679016.

ClinVar aggregate classification (germline): Uncertain significance (1 of 4 stars; one submission).

Submission:

Labcorp Genetics (formerly Invitae), Labcorp
Classification: Uncertain significance. Last evaluated: 2024-02-12. Review status: criteria provided, single submitter. Criteria: Invitae Variant Classification Sherloc (09022015). Collection method: clinical testing. Allele origin: germline.
Comment: This sequence change replaces isoleucine, which is neutral and non-polar, with threonine, which is neutral and polar, at codon 74 of the DTHD1 protein (p.Ile74Thr). This variant is not present in population databases (gnomAD no frequency). This variant has not been reported in the literature in individuals affected with DTHD1-related conditions. ClinVar contains an entry for this variant (Variation ID: 2010376). An algorithm developed to predict the effect of missense changes on protein structure and function (PolyPhen-2) suggests that this variant is likely to be disruptive. In summary, the available evidence is currently insufficient to determine the role of this variant in disease. Therefore, it has been classified as a Variant of Uncertain Significance.